The following is an entry in ClinVar:

NM_002860.4(ALDH18A1):c.22T>C (p.Cys8Arg)

Gene: ALDH18A1 (aldehyde dehydrogenase 18 family member A1; minus strand). Cytogenetic location: 10q24.1.
Variant type: single nucleotide variant.
Coding change: c.22T>C on transcript NM_002860.4 (MANE Select); coding-DNA position 22, T replaced by C.
Protein change: p.Cys8Arg; replaces cysteine 8 with arginine.
Molecular consequence: missense variant. On other transcripts: 5 prime UTR variant (4).
Genome position (GRCh38, 1-based): chr10:95,653,356, A>G on the plus strand (T>C on the coding strand, the complement: ALDH18A1 is on the minus strand). VCF-style: chr10-95653356-A-G. GRCh37 (hg19) VCF-style: chr10-97413113-A-G.
Other names: c.22T>C, p.Cys8Arg (NM_001017423.2, NM_001323413.2, NM_001323414.2 and 2 more transcripts); c.-97T>C (NM_001323412.2, NM_001323416.2, NM_001323418.2); c.-145T>C (NM_001323419.2); short protein forms C8R.
Identifiers: ClinVar variation 1517557 (VCV001517557.6), dbSNP rs2139670118, ClinGen allele CA377710735.

ClinVar aggregate classification (germline): Uncertain significance (1 of 4 stars; one submission).

Conditions:
Cutis laxa, autosomal dominant 3 (ADCL3). Identifiers: Orphanet 90348, MedGen C4225268, MONDO:0014706, OMIM 616603.
Autosomal dominant spastic paraplegia type 9. Identifiers: MedGen C1832669, MONDO:0015091.
de Barsy syndrome. Also called: Cutis laxa-corneal clouding-oligophrenia syndrome. Identifiers: Orphanet 2962, MedGen C0268354, MONDO:0017569.

Allele frequency attached by ClinVar (database versions not stated): gnomAD exomes below 0.00001.
gnomAD v4.1: 1 of 1,613,522 alleles (0.000062%); highest among the groups gnomAD compares: Non-Finnish European, 0.000085%; no homozygotes.

Submission:

Labcorp Genetics (formerly Invitae), Labcorp
Classification: Uncertain significance for Autosomal dominant spastic paraplegia type 9; de Barsy syndrome; Cutis laxa, autosomal dominant 3. Last evaluated: 2021-10-22. Review status: criteria provided, single submitter. Criteria: Invitae Variant Classification Sherloc (09022015). Collection method: clinical testing. Allele origin: germline.
Comment: This variant has not been reported in the literature in individuals affected with ALDH18A1-related conditions. In summary, the available evidence is currently insufficient to determine the role of this variant in disease. Therefore, it has been classified as a Variant of Uncertain Significance. Algorithms developed to predict the effect of missense changes on protein structure and function (SIFT, PolyPhen-2, Align-GVGD) all suggest that this variant is likely to be tolerated. This variant is not present in population databases (ExAC no frequency). This sequence change replaces cysteine with arginine at codon 8 of the ALDH18A1 protein (p.Cys8Arg). The cysteine residue is weakly conserved and there is a large physicochemical difference between cysteine and arginine.